The following is an entry in ClinVar:

ClinVar aggregate classification (germline): Uncertain significance. Review status: criteria provided, single submitter (1 of 4 stars). 2 submissions from 2 submitters: Uncertain significance (1). 1 of the submissions does not count toward it. Last evaluated 2025-10-07.

Conditions:
Cystic fibrosis (CF). Also called: MUCOVISCIDOSIS. Identifiers: Orphanet 586, MedGen C0010674, MONDO:0009061, OMIM 219700. Disease mechanism: loss of function.

Submissions (2):

Women's Health and Genetics/Laboratory Corporation of America, LabCorp
Classification: Uncertain significance. Last evaluated: 2025-10-07. Review status: criteria provided, single submitter. Criteria: LabCorp Variant Classification Summary - May 2015. Collection method: clinical testing. Allele origin: germline.
Comment: Variant summary: CFTR c.3857T>C (p.Phe1286Ser) results in a non-conservative amino acid change in the encoded protein sequence. Algorithms developed to predict the effect of missense changes on protein structure and function all suggest that this variant is likely to be disruptive. The variant was absent in 250784 control chromosomes. The available data on variant occurrences in the general population are insufficient to allow any conclusion about variant significance. c.3857T>C has been observed in multiple individual(s) affected with clinical features and/or a clinical diagnosis of Cystic Fibrosis, however only 1 individual was reported with sufficient genotype/phenotype information for ascertainment (example, Kondratyeva_2024, Claustres_2000, Dorval_1993, CFTR France database). These data do not allow any conclusion about variant significance. To our knowledge, no experimental evidence demonstrating an impact on protein function has been reported. The following publications have been ascertained in the context of this evaluation (PMID: 9511935, 12124743, 25735457, 17990484, 1284534, 39529847, 7525963, 1279852, 10923036, 8097485, 11504857, 7551394, 7504969). ClinVar contains an entry for this variant (Variation ID: 7184). Based on the evidence outlined above, the variant was classified as uncertain significance.

OMIM
Classification: Pathogenic for CYSTIC FIBROSIS. Last evaluated: 1993-04-01. Review status: no assertion criteria provided. Collection method: literature only. Allele origin: germline. Not counted in ClinVar's aggregate classification.

Literature cited by the submitters: PubMed 12124743 (cited by Women's Health and Genetics/Laboratory Corporation of America, LabCorp); PubMed 17990484 (cited by Women's Health and Genetics/Laboratory Corporation of America, LabCorp); PubMed 7525963 (cited by Women's Health and Genetics/Laboratory Corporation of America, LabCorp); PubMed 10923036 (cited by Women's Health and Genetics/Laboratory Corporation of America, LabCorp); PubMed 9511935 (cited by Women's Health and Genetics/Laboratory Corporation of America, LabCorp); PubMed 1284534 (cited by Women's Health and Genetics/Laboratory Corporation of America, LabCorp); PubMed 7551394 (cited by Women's Health and Genetics/Laboratory Corporation of America, LabCorp); PubMed 11504857 (cited by Women's Health and Genetics/Laboratory Corporation of America, LabCorp); PubMed 25735457 (cited by Women's Health and Genetics/Laboratory Corporation of America, LabCorp); PubMed 39529847 (cited by Women's Health and Genetics/Laboratory Corporation of America, LabCorp); PubMed 1279852 (cited by Women's Health and Genetics/Laboratory Corporation of America, LabCorp); PubMed 7504969 (cited by Women's Health and Genetics/Laboratory Corporation of America, LabCorp); PubMed 8097485 (cited by Women's Health and Genetics/Laboratory Corporation of America, LabCorp and OMIM).

NM_000492.4(CFTR):c.3857T>C (p.Phe1286Ser)

Genes: CFTR (CF transmembrane conductance regulator; plus strand), CFTR-AS2 (CFTR antisense RNA 2; minus strand). Cytogenetic location: 7q31.2.
Variant type: single nucleotide variant.
Coding change: c.3857T>C on transcript NM_000492.4 (MANE Select); coding-DNA position 3857, T replaced by C.
Protein change: p.Phe1286Ser; replaces phenylalanine 1286 with serine.
Molecular consequence: missense variant.
Genome position (GRCh38, 1-based): chr7:117,642,577, T>C. VCF-style: chr7-117642577-T-C. GRCh37 (hg19) VCF-style: chr7-117282631-T-C.
Other names: short protein forms F1286S.
Identifiers: ClinVar variation 7184 (VCV000007184.2), dbSNP rs121909028, ClinGen allele CA325574.